The following is an entry in ClinVar:

ClinVar aggregate classification (germline): Pathogenic (1 of 4 stars; one submission).

Conditions:
Wilson disease (WND). Also called: Wilson's disease. Identifiers: Orphanet 905, MedGen C0019202, MONDO:0010200, OMIM 277900. Disease mechanism: loss of function.

Allele frequency attached by ClinVar (database versions not stated): gnomAD exomes below 0.00001.

Submission:

Laboratory for Molecular Medicine, Mass General Brigham Personalized Medicine
Classification: Pathogenic for Wilson disease. Last evaluated: 2020-06-11. Review status: criteria provided, single submitter. Criteria: ACMG Guidelines, 2015. Collection method: clinical testing. Allele origin: germline.
Comment: The p.Met822AsnfsX32 variant in ATP7B has been previously reported in a homozygous individual with Wilson disease (Gu 2003) and was absent from large population studies. This variant is predicted to cause a frameshift, which alters the protein’s amino acid sequence beginning at position 822 and leads to a premature termination codon 32 amino acids downstream. This alteration is then predicted to lead to a truncated or absent protein. Loss of function of the ATP7B gene is an established disease mechanism in autosomal recessive Wilson disease. In summary, this variant meets criteria to be classified as pathogenic for autosomal recessive Wilson disease. ACMG/AMP Criteria applied: PVS1, PM2, PM3_Supporting, PP4.

Literature cited by the submitters: PubMed 14986826.

NM_000053.4(ATP7B):c.2464dup (p.Met822fs)

Gene: ATP7B (ATPase copper transporting beta; minus strand). Cytogenetic location: 13q14.3.
Variant type: Duplication.
Coding change: c.2464dup on transcript NM_000053.4 (MANE Select); coding-DNA position 2464, one base duplicated (A; older notation c.2464dupA).
Protein change: p.Met822fs; shifts the reading frame from methionine 822.
Molecular consequence: frameshift variant. On other transcripts: intron variant (1).
Genome position (GRCh38, 1-based): chr13:51,950,383, T duplicated on the plus strand (A on the coding strand, the reverse complement: ATP7B is on the minus strand). VCF-style (leftmost placement, unchanged base first): chr13-51950382-A-AT. GRCh37 (hg19) VCF-style: chr13-52524518-A-AT.
Other names: c.1978dup, p.Met660fs (NM_001005918.3, NM_001406541.1, NM_001406542.1 and 1 more transcripts); c.2131dup, p.Met711fs (NM_001243182.2); c.2230dup, p.Met744fs (NM_001330578.2, NM_001406527.1, NM_001406528.1 and 2 more transcripts); c.2212dup, p.Met738fs (NM_001330579.2, NM_001406531.1, NM_001406532.1 and 1 more transcripts); c.2464dup, p.Met822fs (NM_001406511.1, NM_001406512.1, NM_001406513.1 and 7 more transcripts); c.2431dup, p.Met811fs (NM_001406514.1); c.2368dup, p.Met790fs (NM_001406517.1, NM_001406518.1); c.2320dup, p.Met774fs (NM_001406520.1, NM_001406521.1, NM_001406522.1 and 1 more transcripts); and 8 more; short protein forms M606fs, M628fs, M660fs, M679fs, M706fs, M711fs, M712fs, M738fs.
Identifiers: ClinVar variation 3075782 (VCV003075782.1), dbSNP rs2547674422, ClinGen allele CA2623118855.
Genomic context (GRCh38, chr13:51,950,382, plus strand): 5'-TCCACTGGAAACTTTCCCCCAGGGACCACCTTGACGATATCGCCCCGCTGCACCAGCTCC[A>AT]TGGGGACTTGCTCCTCCCTGCAACAAACGCCACTTATCACTCACATGGCCACTCATTCGG-3'